The following is an entry in ClinVar:

ClinVar aggregate classification (germline): Uncertain significance (1 of 4 stars; one submission).

Submission:

Labcorp Genetics (formerly Invitae), Labcorp
Classification: Uncertain significance. Last evaluated: 2025-08-09. Review status: criteria provided, single submitter. Criteria: Invitae Variant Classification Sherloc (09022015). Collection method: clinical testing. Allele origin: germline.
Comment: This sequence change falls in intron 2 of the GNAS gene. It does not directly change the encoded amino acid sequence of the GNAS protein. This variant is not present in population databases (gnomAD no frequency). This variant has not been reported in the literature in individuals affected with GNAS-related conditions. Algorithms developed to predict the effect of sequence changes on RNA splicing suggest that this variant may disrupt the consensus splice site. In summary, the available evidence is currently insufficient to determine the role of this variant in disease. Therefore, it has been classified as a Variant of Uncertain Significance.

NM_000516.7(GNAS):c.213-14TC[2]

Gene: GNAS (GNAS complex locus; plus strand). Cytogenetic location: 20q13.32.
Variant type: Microsatellite.
Coding change: c.213-14TC[2] on transcript NM_000516.7 (MANE Select); two copies in a row of the 2-base unit TC starting at c.213-14.
Molecular consequence: intron variant.
Genome position: GRCh38 VCF-style: chr20-58898926-ATC-A. GRCh37 (hg19) VCF-style: chr20-57473981-ATC-A.
Other names: c.*116-14TC[2] (NM_016592.5); c.117-14TC[2] (NM_001410912.1); c.36-14TC[2] (NM_001309861.2, NM_001309840.2); c.*74-14TC[2] (NM_001077490.3); c.2142-14TC[2] (NM_080425.4); c.2141+3243TC[2] (NM_001410913.1); c.*232-14TC[2] (NM_001309883.1); c.213-14TC[2] (NM_001077488.5, NM_001309842.2); and 1 more.
Identifiers: ClinVar variation 3638566 (VCV003638566.2).
Genomic context (GRCh38, chr20:58,898,926, plus strand): 5'-AGAGAGACTGTGTGGGGTTTGTGTGACACTGCGGTGCCTTGCAGATTAGGTGAGCTTTCA[ATC>A]TCTCTTTAAAAGGGGCGGCGAAGAGGACCCGCAGGCTGCAAGGAGCAACAGCGATGGGTA-3'